The following is an entry in ClinVar:

NM_017636.4(TRPM4):c.1559_1560del (p.Pro520fs)

Gene: TRPM4 (transient receptor potential cation channel subfamily M member 4; plus strand). Cytogenetic location: 19q13.33.
Variant type: Deletion.
Coding change: c.1559_1560del on transcript NM_017636.4 (MANE Select); coding-DNA positions 1559 to 1560, 2 bases deleted (CC; older notation c.1559_1560delCC).
Protein change: p.Pro520fs; shifts the reading frame from proline 520.
Molecular consequence: frameshift variant. On other transcripts: intron variant (1).
Genome position (GRCh38, 1-based): chr19:49,182,873-49,182,874, CC deleted; deleting any 2 consecutive bases within chr19:49,182,871-49,182,874 gives the same sequence; the c. name uses the placement nearest the transcript's 3' end. VCF-style (leftmost placement, unchanged base first): chr19-49182870-ACC-A. GRCh37 (hg19) VCF-style: chr19-49686127-ACC-A.
Other names: c.1559_1560del, p.Pro520fs (NM_001195227.2); c.1214_1215del, p.Pro405fs (NM_001321281.2); c.1037_1038del, p.Pro346fs (NM_001321283.2); c.497_498del, p.Pro166fs (NM_001321285.2); c.-1+6_-1+7del (NM_001321282.2); short protein forms P520fs, P405fs, P166fs, P346fs.
Identifiers: ClinVar variation 1466352 (VCV001466352.6), dbSNP rs1413934947, ClinGen allele CA633890786.
Genomic context (GRCh38, chr19:49,182,870, plus strand): 5'-GGCCCCCTGACGTGGGGCATGTGCTGAGGATGCTGCTGGGGAAGATGTGCGCGCCGAGGT[ACC>A]CCTCCGGGGGCGCCTGGGACCCTCACCCAGGCCAGGGCTTCGGGGAGAGCGTAAGGACCG-3'

ClinVar aggregate classification (germline): Uncertain significance (1 of 4 stars; one submission).

Conditions:
Progressive familial heart block type IB (PFHB1B). Identifiers: Orphanet 871, MedGen C1970298, MONDO:0011474, OMIM 604559.

Submission:

Labcorp Genetics (formerly Invitae), Labcorp
Classification: Uncertain significance for Progressive familial heart block type IB. Last evaluated: 2021-08-27. Review status: criteria provided, single submitter. Criteria: Invitae Variant Classification Sherloc (09022015). Collection method: clinical testing. Allele origin: germline.
Comment: In summary, the available evidence is currently insufficient to determine the role of this variant in disease. Therefore, it has been classified as a Variant of Uncertain Significance. This variant has not been reported in the literature in individuals affected with TRPM4-related conditions. This variant is not present in population databases (ExAC no frequency). This sequence change creates a premature translational stop signal (p.Pro520Leufs*85) in the TRPM4 gene. It is expected to result in an absent or disrupted protein product. However, the current clinical and genetic evidence is not sufficient to establish whether loss-of-function variants in TRPM4 cause disease.